The following is an entry in ClinVar:

ClinVar aggregate classification (germline): Conflicting classifications of pathogenicity. Review status: criteria provided, conflicting classifications (1 of 4 stars). 6 submissions from 6 submitters: Uncertain significance (1); Likely benign (3). 2 of the submissions do not count toward it. Last evaluated 2026-01-27.

Conditions:
FAH-related disorder. Also called: FAH-related condition.
Tyrosinemia type I (TYRSN1). Also called: Tyrosinemia type 1; Fumarylacetoacetase deficiency; Deficiency of fumarylacetoacetase; HEPATORENAL TYROSINEMIA; FAH DEFICIENCY. Identifiers: Orphanet 882, MedGen C0268490, MONDO:0010161, OMIM 276700. Disease mechanism: loss of function.

Allele frequency attached by ClinVar (database versions not stated): gnomAD 0.00012; 1000 Genomes Project 30x 0.00016; gnomAD exomes 0.00017 and 0.00087; 1000 Genomes Project 0.00020; TOPMed 0.00037; ExAC 0.00067.
gnomAD v4.1: 258 of 1,614,208 alleles (0.016%); highest among the groups gnomAD compares: Admixed American, 0.43%; 1 homozygote.

Submissions (6):

Labcorp Genetics (formerly Invitae), Labcorp
Classification: Likely benign for Tyrosinemia type I. Last evaluated: 2026-01-27. Review status: criteria provided, single submitter. Criteria: Invitae Variant Classification Sherloc (09022015). Collection method: clinical testing. Allele origin: germline.

Mayo Clinic Laboratories, Mayo Clinic
Classification: Uncertain significance. Last evaluated: 2023-02-14. Review status: criteria provided, single submitter. Criteria: ACMG Guidelines, 2015. Collection method: clinical testing. Allele origin: germline. Observed: 1 variant allele.
Comment: BS1, PP3

Illumina Laboratory Services, Illumina
Classification: Likely benign for Tyrosinemia type I. Last evaluated: 2018-01-13. Review status: criteria provided, single submitter. Criteria: ICSL Variant Classification Criteria 13 December 2019. Collection method: clinical testing. Allele origin: germline.
Comment: This variant was observed in the ICSL laboratory as part of a predisposition screen in an ostensibly healthy population. It had not been previously curated by ICSL or reported in the Human Gene Mutation Database (HGMD: prior to June 1st, 2018), and was therefore a candidate for classification through an automated scoring system. Utilizing variant allele frequency, disease prevalence and penetrance estimates, and inheritance mode, an automated score was calculated to assess if this variant is too frequent to cause the disease. Based on the score and internal cut-off values, a variant classified as likely benign is not then subjected to further curation. The score for this variant resulted in a classification of likely benign for this disease.

Eurofins Ntd Llc (ga)
Classification: Likely benign. Last evaluated: 2017-09-13. Review status: criteria provided, single submitter. Criteria: EGL Classification Definitions 2015. Collection method: clinical testing. Allele origin: germline. Observed: 3 variant alleles, 3 heterozygotes.

PreventionGenetics, part of Exact Sciences
Classification: Likely benign for FAH-related condition. Last evaluated: 2021-03-13. Review status: no assertion criteria provided. Collection method: clinical testing. Allele origin: germline. Not counted in ClinVar's aggregate classification.
Comment: This variant is classified as likely benign based on ACMG/AMP sequence variant interpretation guidelines (Richards et al. 2015 PMID: 25741868, with internal and published modifications).

Natera, Inc.
Classification: Uncertain significance for Tyrosinemia type I. Last evaluated: 2017-11-21. Review status: no assertion criteria provided. Collection method: clinical testing. Allele origin: germline. Not counted in ClinVar's aggregate classification.

NM_000137.4(FAH):c.715A>T (p.Ile239Phe)

Gene: FAH (fumarylacetoacetate hydrolase; plus strand). Cytogenetic location: 15q25.1.
Variant type: single nucleotide variant.
Coding change: c.715A>T on transcript NM_000137.4 (MANE Select); coding-DNA position 715, A replaced by T.
Protein change: p.Ile239Phe; replaces isoleucine 239 with phenylalanine.
Molecular consequence: missense variant.
Genome position (GRCh38, 1-based): chr15:80,173,022, A>T. VCF-style: chr15-80173022-A-T. GRCh37 (hg19) VCF-style: chr15-80465364-A-T.
Other names: p.Ile239Phe; c.715A>T, p.Ile239Phe (NM_001374377.1, NM_001374380.1); short protein forms I239F.
Identifiers: ClinVar variation 290111 (VCV000290111.25), dbSNP rs144228661, ClinGen allele CA7691325.